The following is an entry in ClinVar:

ClinVar aggregate classification (germline): Uncertain significance. Review status: criteria provided, multiple submitters, no conflicts (2 of 4 stars). 3 submissions from 3 submitters: Uncertain significance (3). Last evaluated 2024-11-11.

Conditions:
Inborn genetic diseases. Identifiers: MedGen C0950123, MeSH D030342.

Allele frequency attached by ClinVar (database versions not stated): gnomAD exomes 0.00005; gnomAD 0.00007; TOPMed 0.00008; ExAC 0.00009; 1000 Genomes Project 30x 0.00016; 1000 Genomes Project 0.00020.
gnomAD v4.1: 89 of 1,614,126 alleles (0.0055%); highest among the groups gnomAD compares: Non-Finnish European, 0.007%; no homozygotes.

Submissions (3):

Labcorp Genetics (formerly Invitae), Labcorp
Classification: Uncertain significance. Last evaluated: 2024-11-11. Review status: criteria provided, single submitter. Criteria: Invitae Variant Classification Sherloc (09022015). Collection method: clinical testing. Allele origin: germline.
Comment: This sequence change replaces proline, which is neutral and non-polar, with serine, which is neutral and polar, at codon 303 of the DYM protein (p.Pro303Ser). This variant is present in population databases (rs200518242, gnomAD 0.01%). This variant has not been reported in the literature in individuals affected with DYM-related conditions. ClinVar contains an entry for this variant (Variation ID: 2155691). Invitae Evidence Modeling of protein sequence and biophysical properties (such as structural, functional, and spatial information, amino acid conservation, physicochemical variation, residue mobility, and thermodynamic stability) indicates that this missense variant is not expected to disrupt DYM protein function with a negative predictive value of 80%. In summary, the available evidence is currently insufficient to determine the role of this variant in disease. Therefore, it has been classified as a Variant of Uncertain Significance.

Blueprint Genetics
Classification: Uncertain significance. Last evaluated: 2024-10-11. Review status: criteria provided, single submitter. Criteria: ACMG Guidelines, 2015. Collection method: clinical testing. Allele origin: germline.

Ambry Genetics
Classification: Uncertain significance for Inborn genetic diseases. Last evaluated: 2024-08-04. Review status: criteria provided, single submitter. Criteria: Ambry Variant Classification Scheme 2023. Collection method: clinical testing. Allele origin: germline.

NM_001353214.3(DYM):c.907C>T (p.Pro303Ser)

Gene: DYM (dymeclin; minus strand). Cytogenetic location: 18q21.1.
Variant type: single nucleotide variant.
Coding change: c.907C>T on transcript NM_001353214.3 (MANE Select); coding-DNA position 907, C replaced by T.
Protein change: p.Pro303Ser; replaces proline 303 with serine.
Molecular consequence: missense variant. On other transcripts: intron variant (1).
Genome position (GRCh38, 1-based): chr18:49,286,473, G>A on the plus strand (C>T on the coding strand, the complement: DYM is on the minus strand). VCF-style: chr18-49286473-G-A. GRCh37 (hg19) VCF-style: chr18-46812843-G-A.
Other names: c.904C>T, p.Pro302Ser (NM_001353210.3, NM_001353211.3, NM_001353212.3 and 3 more transcripts); c.907C>T, p.Pro303Ser (NM_001353215.3, NM_001353216.3, NM_001374428.1 and 5 more transcripts); c.901C>T, p.Pro301Ser (NM_001374429.1, NM_001374439.1); c.781C>T, p.Pro261Ser (NM_001374432.1, NM_001374436.1); c.679C>T, p.Pro227Ser (NM_001374440.1); c.337C>T, p.Pro113Ser (NM_001374441.1, NM_001374442.1, NM_001374444.1); c.334C>T, p.Pro112Ser (NM_001374443.1); c.764-4298C>T (NM_001374437.1); and 1 more; short protein forms P112S, P261S, P302S, P303S, P113S, P227S, P301S.
Identifiers: ClinVar variation 2155691 (VCV002155691.5), dbSNP rs200518242, ClinGen allele CA8958216.